The following is an entry in ClinVar:

NM_002582.4(PARN):c.1519C>T (p.Gln507Ter)

Gene: PARN (poly(A)-specific ribonuclease; minus strand). Cytogenetic location: 16p13.12.
Variant type: single nucleotide variant.
Coding change: c.1519C>T on transcript NM_002582.4 (MANE Select); coding-DNA position 1519, C replaced by T.
Protein change: p.Gln507Ter; replaces glutamine 507 with a stop codon.
Molecular consequence: nonsense.
Genome position (GRCh38, 1-based): chr16:14,482,789, G>A on the plus strand (C>T on the coding strand, the complement: PARN is on the minus strand). VCF-style: chr16-14482789-G-A. GRCh37 (hg19) VCF-style: chr16-14576646-G-A.
Other names: c.1336C>T, p.Gln446Ter (NM_001134477.3); c.1381C>T, p.Gln461Ter (NM_001242992.2); short protein forms Q446*, Q507*, Q461*.
Identifiers: ClinVar variation 4794756 (VCV004794756.1).

ClinVar aggregate classification (germline): Pathogenic (1 of 4 stars; one submission).

Conditions:
Dyskeratosis congenita, autosomal recessive 6 (DKCB6). Identifiers: MedGen C4225356, MONDO:0014600, OMIM 616353.
Pulmonary fibrosis and/or bone marrow failure, Telomere-related, 4. Also called: PULMONARY FIBROSIS AND/OR BONE MARROW FAILURE SYNDROME, TELOMERE-RELATED, 4. Identifiers: Orphanet 2032, MedGen C4225347, MONDO:0014612, OMIM 616371.

Submission:

Labcorp Genetics (formerly Invitae), Labcorp
Classification: Pathogenic for Dyskeratosis congenita, autosomal recessive 6; Pulmonary fibrosis and/or bone marrow failure, Telomere-related, 4. Last evaluated: 2025-05-22. Review status: criteria provided, single submitter. Criteria: Invitae Variant Classification Sherloc (09022015). Collection method: clinical testing. Allele origin: germline.
Comment: This sequence change creates a premature translational stop signal (p.Gln507*) in the PARN gene. It is expected to result in an absent or disrupted protein product. Loss-of-function variants in PARN are known to be pathogenic (PMID: 9736620, 25848748, 26810774). This variant is not present in population databases (gnomAD no frequency). This variant has not been reported in the literature in individuals affected with PARN-related conditions. For these reasons, this variant has been classified as Pathogenic.

Literature cited by the submitters: PubMed 9736620; PubMed 25848748; PubMed 26810774.